The following is an entry in ClinVar:

ClinVar aggregate classification (germline): Likely benign. Review status: criteria provided, multiple submitters, no conflicts (2 of 4 stars). 2 submissions from 2 submitters: Likely benign (2). Last evaluated 2026-01-28.

Conditions:
Von Hippel-Lindau syndrome (VHLS). Also called: VHL syndrome; Von Hippel-Lindau; von Hippel–Lindau syndrome. Identifiers: Orphanet 892, MedGen C0019562, MONDO:0008667, OMIM 193300. Disease mechanism: loss of function.
Chuvash polycythemia. Also called: POLYCYTHEMIA, VHL-DEPENDENT. Identifiers: Orphanet 238557, MedGen C1837915, MONDO:0009892, OMIM 263400.
VHL-related disorder. Also called: VHL-related condition.

Allele frequency attached by ClinVar (database versions not stated): gnomAD 0.00001; TOPMed 0.00002.
gnomAD v4.1: 2 of 152,324 alleles (0.0013%); highest among the groups gnomAD compares: Non-Finnish European, 0.0029%; no homozygotes.

Submissions (2):

Labcorp Genetics (formerly Invitae), Labcorp
Classification: Likely benign for Von Hippel-Lindau syndrome; Chuvash polycythemia. Last evaluated: 2026-01-28. Review status: criteria provided, single submitter. Criteria: Invitae Variant Classification Sherloc (09022015). Collection method: clinical testing. Allele origin: germline.

PreventionGenetics, part of Exact Sciences
Classification: Likely benign for VHL-related condition. Last evaluated: 2026-01-22. Review status: criteria provided, single submitter. Criteria: ACMG Guidelines, 2015. Collection method: clinical testing. Allele origin: germline.
Comment: This variant is classified as likely benign based on ACMG/AMP sequence variant interpretation guidelines (Richards et al. 2015 PMID: 25741868, with internal and published modifications).

NM_000551.4(VHL):c.340+809A>G

Genes: VHL (von Hippel-Lindau tumor suppressor; plus strand), LOC107303340 (3p25 von Hippel-Lindau tumor suppressor, E3 ubiquitin protein ligase Alu-mediated recombination region; plus strand). Cytogenetic location: 3p25.3.
Variant type: single nucleotide variant.
Coding change: c.340+809A>G on transcript NM_000551.4 (MANE Select); 809 bases into the intron after coding-DNA position 340, A replaced by G.
Molecular consequence: intron variant. On other transcripts: missense variant (1).
Genome position (GRCh38, 1-based): chr3:10,142,996, A>G. VCF-style: chr3-10142996-A-G. GRCh37 (hg19) VCF-style: chr3-10184680-A-G.
Other names: c.574A>G, p.Met192Val (NM_001354723.2); c.340+809A>G (NM_198156.3); short protein forms M192V.
Identifiers: ClinVar variation 833537 (VCV000833537.9), dbSNP rs1377166151, ClinGen allele CA896160333.